The following is an entry in ClinVar:

ClinVar aggregate classification (germline): Uncertain significance. Review status: criteria provided, multiple submitters, no conflicts (2 of 4 stars). 3 submissions from 3 submitters: Uncertain significance (3). Last evaluated 2025-08-10.

Conditions:
Inborn genetic diseases. Identifiers: MedGen C0950123, MeSH D030342.

Allele frequency attached by ClinVar (database versions not stated): gnomAD exomes 0.00003 and 0.00009; ExAC 0.00009; ESP Exome Variant Server 0.00025; gnomAD 0.00032 and 0.00038; TOPMed 0.00042.
gnomAD v4.1: 91 of 1,581,274 alleles (0.0058%); highest among the groups gnomAD compares: African/African-American, 0.11%; no homozygotes.

Submissions (3):

Ambry Genetics
Classification: Uncertain significance for Inborn genetic diseases. Last evaluated: 2025-08-10. Review status: criteria provided, single submitter. Criteria: Ambry Variant Classification Scheme 2023. Collection method: clinical testing. Allele origin: germline.

Labcorp Genetics (formerly Invitae), Labcorp
Classification: Uncertain significance. Last evaluated: 2024-12-02. Review status: criteria provided, single submitter. Criteria: Invitae Variant Classification Sherloc (09022015). Collection method: clinical testing. Allele origin: germline.
Comment: This sequence change replaces proline, which is neutral and non-polar, with leucine, which is neutral and non-polar, at codon 994 of the GPR179 protein (p.Pro994Leu). This variant is present in population databases (rs374041933, gnomAD 0.1%). This variant has not been reported in the literature in individuals affected with GPR179-related conditions. ClinVar contains an entry for this variant (Variation ID: 1037089). An algorithm developed to predict the effect of missense changes on protein structure and function (PolyPhen-2) suggests that this variant is likely to be disruptive. In summary, the available evidence is currently insufficient to determine the role of this variant in disease. Therefore, it has been classified as a Variant of Uncertain Significance.

Blueprint Genetics
Classification: Uncertain significance. Last evaluated: 2024-02-15. Review status: criteria provided, single submitter. Criteria: ACMG Guidelines, 2015. Collection method: clinical testing. Allele origin: germline.

NM_001004334.4(GPR179):c.2981C>T (p.Pro994Leu)

Gene: GPR179 (G protein-coupled receptor 179; minus strand). Cytogenetic location: 17q12.
Variant type: single nucleotide variant.
Coding change: c.2981C>T on transcript NM_001004334.4 (MANE Select); coding-DNA position 2981, C replaced by T.
Protein change: p.Pro994Leu; replaces proline 994 with leucine.
Molecular consequence: missense variant.
Genome position (GRCh38, 1-based): chr17:38,330,588, G>A on the plus strand (C>T on the coding strand, the complement: GPR179 is on the minus strand). VCF-style: chr17-38330588-G-A. GRCh37 (hg19) VCF-style: chr17-36486471-G-A.
Other names: c.2981C>T (NM_001004334.2); short protein forms P994L.
Identifiers: ClinVar variation 1037089 (VCV001037089.8), dbSNP rs374041933, ClinGen allele CA290105450.